The following is an entry in ClinVar:

NM_003998.4(NFKB1):c.2119C>T (p.Leu707=)

Gene: NFKB1 (nuclear factor kappa B subunit 1; plus strand). Cytogenetic location: 4q24.
Variant type: single nucleotide variant.
Coding change: c.2119C>T on transcript NM_003998.4 (MANE Select); coding-DNA position 2119, C replaced by T.
Protein change: p.Leu707=; no amino-acid change (leucine 707 retained).
Molecular consequence: synonymous variant.
Genome position (GRCh38, 1-based): chr4:102,607,314, C>T. VCF-style: chr4-102607314-C-T. GRCh37 (hg19) VCF-style: chr4-103528471-C-T.
Other names: c.2077C>T, p.Leu693= (NM_001382628.1); c.2116C>T, p.Leu706= (NM_001165412.2, NM_001319226.2, NM_001382627.1); c.2119C>T, p.Leu707= (NM_001382625.1, NM_001382626.1).
Identifiers: ClinVar variation 2654982 (VCV002654982.24), dbSNP rs2476544242, ClinGen allele CA440527000.

ClinVar aggregate classification (germline): Likely benign (1 of 4 stars; one submission).

Submission:

CeGaT Center for Human Genetics Tuebingen
Classification: Likely benign. Last evaluated: 2022-03-01. Review status: criteria provided, single submitter. Criteria: CeGaT Center For Human Genetics Tuebingen Variant Classification Criteria Version 2. Collection method: clinical testing. Allele origin: germline. Affected: yes. Observed: 1 variant allele.
Comment: NFKB1: PM2:Supporting, BP4, BP7